The following is an entry in ClinVar:

ClinVar aggregate classification (germline): Uncertain significance (1 of 4 stars; one submission).

Conditions:
Intellectual developmental disorder, autosomal dominant 44, with microcephaly. Also called: Micrognathia-recurrent infections-behavioral abnormalities-mild intellectual disability syndrome; TRIO-Related Intellectual Disability. Identifiers: Orphanet 476126, MedGen C4310740, MONDO:0014892, OMIM 617061.

Allele frequency attached by ClinVar (database versions not stated): TOPMed 0.00001.

Submission:

Baylor Genetics
Classification: Uncertain significance for Intellectual developmental disorder, autosomal dominant 44, with microcephaly. Last evaluated: 2018-03-16. Review status: criteria provided, single submitter. Criteria: ACMG Guidelines, 2015. Collection method: clinical testing. Allele origin: unknown. Affected: yes.
Comment: This variant was determined to be of uncertain significance according to ACMG Guidelines, 2015 [PMID:25741868].

NM_007118.4(TRIO):c.8237T>C (p.Ile2746Thr)

Genes: TRIO (trio Rho guanine nucleotide exchange factor; plus strand), LOC126807323 (CDK7 strongly-dependent group 2 enhancer GRCh37_chr5:14497716-14498915; plus strand). Cytogenetic location: 5p15.2.
Variant type: single nucleotide variant.
Coding change: c.8237T>C on transcript NM_007118.4 (MANE Select); coding-DNA position 8237, T replaced by C.
Protein change: p.Ile2746Thr; replaces isoleucine 2746 with threonine.
Molecular consequence: missense variant. On other transcripts: non-coding transcript variant (1).
Genome position (GRCh38, 1-based): chr5:14,498,545, T>C. VCF-style: chr5-14498545-T-C. GRCh37 (hg19) VCF-style: chr5-14498654-T-C.
Other names: short protein forms I2746T.
Identifiers: ClinVar variation 1032524 (VCV001032524.1), dbSNP rs1757054340, ClinGen allele CA359239475.
Genomic context (GRCh38, chr5:14,498,545, plus strand): 5'-TCTGATGCGCAGTGTGTTCCCATCTGTGCCGCAGTGACCTGGGAGAGGCCACGCTGAAGA[T>C]TGTGGGCGTGACCACGGAAGATGACGGCATCTACACGTGCATCGCTGTCAATGACATGGG-3'
Protein context (NP_009049.2, residues 2736-2756): YSDLGEATLK[Ile2746Thr]VGVTTEDDGI